The following is an entry in ClinVar:

NM_213599.3(ANO5):c.1929del (p.Ala644fs)

Gene: ANO5 (anoctamin 5; plus strand). Cytogenetic location: 11p14.3.
Variant type: Deletion.
Coding change: c.1929del on transcript NM_213599.3 (MANE Select); coding-DNA position 1929, one base deleted (A; older notation c.1929delA).
Protein change: p.Ala644fs; shifts the reading frame from alanine 644.
Molecular consequence: frameshift variant.
Genome position (GRCh38, 1-based): chr11:22,270,342, A deleted; the last of 4 consecutive A bases (chr11:22,270,339-22,270,342); deleting any one gives the same sequence. VCF-style (leftmost placement, unchanged base first): chr11-22270338-GA-G. GRCh37 (hg19) VCF-style: chr11-22291884-GA-G.
Other names: c.1926del, p.Ala643fs (NM_001142649.2); c.1887del, p.Ala630fs (NM_001410963.1); c.1884del, p.Ala629fs (NM_001410964.1); short protein forms A629fs, A630fs, A643fs, A644fs.
Identifiers: ClinVar variation 3756261 (VCV003756261.2).

ClinVar aggregate classification (germline): Pathogenic (1 of 4 stars; one submission).

Conditions:
Gnathodiaphyseal dysplasia (GDD). Also called: GNATHODIAPHYSEAL SCLEROSIS; OSTEOGENESIS IMPERFECTA WITH UNUSUAL SKELETAL LESIONS. Identifiers: Orphanet 53697, MedGen C1833736, MONDO:0008151, OMIM 166260.
Autosomal recessive limb-girdle muscular dystrophy type 2L (LGMDR12). Also called: Limb-girdle muscular dystrophy, type 2L; MUSCULAR DYSTROPHY, LIMB-GIRDLE, AUTOSOMAL RECESSIVE 12; Limb-Girdle Muscular Dystrophy R12 Anoctamin-5-Related (LGMD-R12). Identifiers: Orphanet 206549, MedGen C1969785, MONDO:0012652, OMIM 611307.

Submission:

Labcorp Genetics (formerly Invitae), Labcorp
Classification: Pathogenic for Autosomal recessive limb-girdle muscular dystrophy type 2L; Gnathodiaphyseal dysplasia. Last evaluated: 2024-05-08. Review status: criteria provided, single submitter. Criteria: Invitae Variant Classification Sherloc (09022015). Collection method: clinical testing. Allele origin: germline.
Comment: This sequence change creates a premature translational stop signal (p.Ala644Leufs*31) in the ANO5 gene. It is expected to result in an absent or disrupted protein product. Loss-of-function variants in ANO5 are known to be pathogenic (PMID: 21186264, 23606453, 25891276, 30919934). This variant is not present in population databases (gnomAD no frequency). This variant has not been reported in the literature in individuals affected with ANO5-related conditions. For these reasons, this variant has been classified as Pathogenic.

Literature cited by the submitters: PubMed 21186264; PubMed 23606453; PubMed 25891276; PubMed 30919934.